The following is an entry in ClinVar:

ClinVar aggregate classification (germline): Uncertain significance (1 of 4 stars; one submission).

Conditions:
Fanconi anemia (FA). Also called: Fanconi's anemia. Identifiers: Orphanet 84, MedGen C0015625, MeSH D005199, MONDO:0019391.

Submission:

Labcorp Genetics (formerly Invitae), Labcorp
Classification: Uncertain significance for Fanconi anemia. Last evaluated: 2024-01-18. Review status: criteria provided, single submitter. Criteria: Invitae Variant Classification Sherloc (09022015). Collection method: clinical testing. Allele origin: germline.
Comment: This sequence change replaces isoleucine, which is neutral and non-polar, with lysine, which is basic and polar, at codon 2032 of the FANCM protein (p.Ile2032Lys). This variant is not present in population databases (gnomAD no frequency). This variant has not been reported in the literature in individuals affected with FANCM-related conditions. An algorithm developed to predict the effect of missense changes on protein structure and function (PolyPhen-2) suggests that this variant is likely to be tolerated. In summary, the available evidence is currently insufficient to determine the role of this variant in disease. Therefore, it has been classified as a Variant of Uncertain Significance.

NM_020937.4(FANCM):c.6095T>A (p.Ile2032Lys)

Gene: FANCM (FA complementation group M; plus strand). Cytogenetic location: 14q21.2.
Variant type: single nucleotide variant.
Coding change: c.6095T>A on transcript NM_020937.4 (MANE Select); coding-DNA position 6095, T replaced by A.
Protein change: p.Ile2032Lys; replaces isoleucine 2032 with lysine.
Molecular consequence: missense variant.
Genome position (GRCh38, 1-based): chr14:45,199,956, T>A. VCF-style: chr14-45199956-T-A. GRCh37 (hg19) VCF-style: chr14-45669159-T-A.
Other names: c.6017T>A, p.Ile2006Lys (NM_001308133.2); short protein forms I2006K, I2032K.
Identifiers: ClinVar variation 2791653 (VCV002791653.3), dbSNP rs2503284998, ClinGen allele CA389588374.
Genomic context (GRCh38, chr14:45,199,956, plus strand): 5'-CACAAGTAACTCATCAGAAGGCTGAGGAGATCTATAGATATATTCACTATGTATTTGACA[T>A]ACAAATGTTACCAAATGATCTTAACCAAGATAGACTGAAATCTGATATATAATCAAGCTG-3'
Protein context (NP_065988.1, residues 2022-2042): IYRYIHYVFD[Ile2032Lys]QMLPNDLNQD